The following is an entry in ClinVar:

NM_001394073.1(HS6ST2):c.1799_1822del (p.Asn600_Gln607del)

Gene: HS6ST2 (heparan sulfate 6-O-sulfotransferase 2; minus strand). Cytogenetic location: Xq26.2.
Variant type: Deletion.
Coding change: c.1799_1822del on transcript NM_001394073.1 (MANE Select); coding-DNA positions 1799 to 1822, 24 bases deleted (ATCTGATGCAGAATCTGACTCAGA).
Protein change: p.Asn600_Gln607del.
Molecular consequence: inframe deletion.
Genome position (GRCh38, 1-based): chrX:132,628,339-132,628,362, TCTGAGTCAGATTCTGCATCAGAT deleted on the plus strand (ATCTGATGCAGAATCTGACTCAGA on the coding strand, the reverse complement: HS6ST2 is on the minus strand); deleting any 24 consecutive bases within chrX:132,628,339-132,628,372 gives the same sequence; the c. name uses the placement nearest the transcript's 3' end. VCF-style (leftmost placement, unchanged base first): chrX-132628338-CTCTGAGTCAGATTCTGCATCAGAT-C. GRCh37 (hg19) VCF-style: chrX-131762366-CTCTGAGTCAGATTCTGCATCAGAT-C.
Other names: c.1799_1822del, p.Asn600_Gln607del (NM_001077188.2); c.1679_1702del, p.Asn560_Gln567del (NM_001394074.1, NM_147175.4).
Identifiers: ClinVar variation 5007502 (VCV005007502.2).

ClinVar aggregate classification (germline): Uncertain significance (1 of 4 stars; one submission).

Conditions:
Paganini-Miozzo syndrome. Also called: MENTAL RETARDATION, X-LINKED, SYNDROMIC, PAGANINI-MIOZZO TYPE. Identifiers: MedGen C5193010, MONDO:0026724, OMIM 301025.

Submission:

Juno Genomics, Hangzhou Juno Genomics, Inc
Classification: Uncertain significance for Paganini-Miozzo syndrome. Review status: criteria provided, single submitter. Criteria: ACMG Guidelines, 2015. Collection method: clinical testing. Allele origin: germline.
Comment: Absent from controls (or at extremely low frequency if recessive) in Genome Aggregation Database.;Protein length changes due to in-frame deletions/insertions in a non-repeat region or stop-loss variants.